The following is an entry in ClinVar:

NM_000051.4(ATM):c.3846T>C (p.Leu1282=)

Gene: ATM (ATM serine/threonine kinase; plus strand). Cytogenetic location: 11q22.3.
Variant type: single nucleotide variant.
Coding change: c.3846T>C on transcript NM_000051.4 (MANE Select); coding-DNA position 3846, T replaced by C.
Protein change: p.Leu1282=; no amino-acid change (leucine 1282 retained).
Molecular consequence: synonymous variant.
Genome position (GRCh38, 1-based): chr11:108,284,326, T>C. VCF-style: chr11-108284326-T-C. GRCh37 (hg19) VCF-style: chr11-108155053-T-C.
Other names: c.3846T>C, p.Leu1282= (NM_001351834.2).
Identifiers: ClinVar variation 1666629 (VCV001666629.9), dbSNP rs2135706640, ClinGen allele CA476745036.

ClinVar aggregate classification (germline): Benign/Likely benign. Review status: criteria provided, multiple submitters, no conflicts (2 of 4 stars). 2 submissions from 2 submitters: Benign (1); Likely benign (1). Last evaluated 2024-05-15.

Conditions:
Familial cancer of breast. Also called: hereditary breast carcinoma; BREAST CANCER, FAMILIAL; Hereditary breast cancer. Identifiers: Orphanet 227535, MedGen C0346153, MONDO:0016419, OMIM 114480. Disease mechanism: loss of function.
Ataxia-telangiectasia syndrome (AT). Also called: Cerebello-oculocutaneous telangiectasia; Immunodeficiency with ataxia telangiectasia; LOUIS-BAR SYNDROME; Ataxia-telangiectasia, complementation group D; AT, COMPLEMENTATION GROUP C; Ataxia-telangiectasia, complementation group E. Identifiers: Orphanet 100, MedGen C0004135, MONDO:0008840, OMIM 208900.

Submissions (2):

Myriad Genetics, Inc.
Classification: Benign for Familial cancer of breast. Last evaluated: 2024-05-15. Review status: criteria provided, single submitter. Criteria: Myriad Autosomal Dominant, Autosomal Recessive and X-Linked Classification Criteria (2023). Collection method: clinical testing. Allele origin: unknown.
Comment: This variant is considered benign. This variant is a silent/synonymous amino acid change and it is not expected to impact splicing.

Labcorp Genetics (formerly Invitae), Labcorp
Classification: Likely benign for Ataxia-telangiectasia syndrome. Last evaluated: 2020-12-27. Review status: criteria provided, single submitter. Criteria: Invitae Variant Classification Sherloc (09022015). Collection method: clinical testing. Allele origin: germline.